The following is an entry in ClinVar:

NM_006790.3(MYOT):c.509C>G (p.Thr170Ser)

Genes: PKD2L2-DT (PKD2L2 divergent transcript; minus strand), MYOT (myotilin; plus strand). Cytogenetic location: 5q31.2.
Variant type: single nucleotide variant.
Coding change: c.509C>G on transcript NM_006790.3 (MANE Select); coding-DNA position 509, C replaced by G.
Protein change: p.Thr170Ser; replaces threonine 170 with serine.
Molecular consequence: missense variant. On other transcripts: 5 prime UTR variant (1).
Genome position (GRCh38, 1-based): chr5:137,875,981, C>G. VCF-style: chr5-137875981-C-G. GRCh37 (hg19) VCF-style: chr5-137211670-C-G.
Other names: c.-44C>G (NM_001135940.2); c.164C>G, p.Thr55Ser (NM_001300911.2); short protein forms T170S, T55S.
Identifiers: ClinVar variation 4770458 (VCV004770458.1).

ClinVar aggregate classification (germline): Uncertain significance (1 of 4 stars; one submission).

Conditions:
Myofibrillar myopathy 3 (MFM3). Also called: Autosomal dominant spheroid body myopathy; Muscular dystrophy, proximal, type 1A. Identifiers: Orphanet 266, Orphanet 268129, MedGen C3714934, MONDO:0012215, OMIM 609200.

Submission:

Labcorp Genetics (formerly Invitae), Labcorp
Classification: Uncertain significance for Myofibrillar myopathy 3. Last evaluated: 2025-10-22. Review status: criteria provided, single submitter. Criteria: Invitae Variant Classification Sherloc (09022015). Collection method: clinical testing. Allele origin: germline.
Comment: This sequence change replaces threonine, which is neutral and polar, with serine, which is neutral and polar, at codon 170 of the MYOT protein (p.Thr170Ser). This variant is not present in population databases (gnomAD no frequency). This variant has not been reported in the literature in individuals affected with MYOT-related conditions. Invitae Evidence Modeling of protein sequence and biophysical properties (such as structural, functional, and spatial information, amino acid conservation, physicochemical variation, residue mobility, and thermodynamic stability) indicates that this missense variant is not expected to disrupt MYOT protein function with a negative predictive value of 80%. In summary, the available evidence is currently insufficient to determine the role of this variant in disease. Therefore, it has been classified as a Variant of Uncertain Significance.